The following is an entry in ClinVar:

NM_021930.6(RINT1):c.2078C>G (p.Ala693Gly)

Genes: EFCAB10 (EF-hand calcium binding domain 10; minus strand), RINT1 (RAD50 interactor 1; plus strand). Cytogenetic location: 7q22.3.
Variant type: single nucleotide variant.
Coding change: c.2078C>G on transcript NM_021930.6 (MANE Select); coding-DNA position 2078, C replaced by G.
Protein change: p.Ala693Gly; replaces alanine 693 with glycine.
Molecular consequence: missense variant. On other transcripts: 3 prime UTR variant (1), non-coding transcript variant (1), intron variant (2).
Genome position (GRCh38, 1-based): chr7:105,565,540, C>G. VCF-style: chr7-105565540-C-G. GRCh37 (hg19) VCF-style: chr7-105205987-C-G.
Other names: c.*9G>C (NM_001355530.2); c.1844C>G, p.Ala615Gly (NM_001346599.2); c.1055C>G, p.Ala352Gly (NM_001346600.2, NM_001346603.2); c.1154C>G, p.Ala385Gly (NM_001346601.2); c.360-93G>C (NM_001355531.2); c.384-93G>C (NM_001355526.2); short protein forms A352G, A385G, A615G, A693G.
Identifiers: ClinVar variation 4578221 (VCV004578221.1).

ClinVar aggregate classification (germline): Uncertain significance (1 of 4 stars; one submission).

Submission:

Ambry Genetics
Classification: Uncertain significance. Last evaluated: 2025-10-22. Review status: criteria provided, single submitter. Criteria: Ambry Variant Classification Scheme 2023. Collection method: clinical testing. Allele origin: germline.
Comment: The p.A693G variant (also known as c.2078C>G), located in coding exon 14 of the RINT1 gene, results from a C to G substitution at nucleotide position 2078. The alanine at codon 693 is replaced by glycine, an amino acid with similar properties. This amino acid position is conserved. In addition, this alteration is predicted to be tolerated by in silico analysis. Based on the available evidence, the clinical significance of this variant remains unclear.